The following is an entry in ClinVar:

ClinVar aggregate classification (germline): Uncertain significance (1 of 4 stars; one submission).

Submission:

Ambry Genetics
Classification: Uncertain significance. Last evaluated: 2024-12-20. Review status: criteria provided, single submitter. Criteria: Ambry Variant Classification Scheme 2023. Collection method: clinical testing. Allele origin: germline.
Comment: The p.E351G variant (also known as c.1052A>G), located in coding exon 1 of the TET2 gene, results from an A to G substitution at nucleotide position 1052. The glutamic acid at codon 351 is replaced by glycine, an amino acid with similar properties. This amino acid position is conserved. In addition, this alteration is predicted to be tolerated by in silico analysis. Based on the available evidence, the clinical significance of this variant remains unclear.

NM_001127208.3(TET2):c.1052A>G (p.Glu351Gly)

Genes: TET2 (tet methylcytosine dioxygenase 2; plus strand), TET2-AS1 (TET2 antisense RNA 1; minus strand). Cytogenetic location: 4q24.
Variant type: single nucleotide variant.
Coding change: c.1052A>G on transcript NM_001127208.3 (MANE Select); coding-DNA position 1052, A replaced by G.
Protein change: p.Glu351Gly; replaces glutamic acid 351 with glycine.
Molecular consequence: missense variant.
Genome position (GRCh38, 1-based): chr4:105,234,994, A>G. VCF-style: chr4-105234994-A-G. GRCh37 (hg19) VCF-style: chr4-106156151-A-G.
Other names: c.1052A>G, p.Glu351Gly (NM_017628.4); short protein forms E351G.
Identifiers: ClinVar variation 3805884 (VCV003805884.1).
Genomic context (GRCh38, chr4:105,234,994, plus strand): 5'-TATGCCCATCTCCTGCAGAAAATAACATCCAGGGAACCACAAAGCTAGCGTCTGGTGAAG[A>G]ATTCTGTTCAGGTTCCAGCAGCAATTTGCAAGCTCCTGGTGGCAGCTCTGAACGGTATTT-3'
Protein context (NP_001120680.1, residues 341-361): QGTTKLASGE[Glu351Gly]FCSGSSSNLQ